The following is an entry in ClinVar:

ClinVar aggregate classification (germline): Pathogenic (1 of 4 stars; one submission).

Submission:

Labcorp Genetics (formerly Invitae), Labcorp
Classification: Pathogenic. Last evaluated: 2022-02-21. Review status: criteria provided, single submitter. Criteria: Invitae Variant Classification Sherloc (09022015). Collection method: clinical testing. Allele origin: germline.
Comment: For these reasons, this variant has been classified as Pathogenic. This variant has not been reported in the literature in individuals affected with NXN-related conditions. This variant is a gross deletion of the genomic region encompassing exon(s) 5 of the NXN gene. This deletion is out-of-frame, and is expected to create a premature termination codon and result in an absent or disrupted protein product. Loss-of-function variants in NXN are known to be pathogenic (PMID: 29276006, 33048444).

Literature cited by the submitters: PubMed 29276006; PubMed 33048444.

NC_000017.10:g.(?_722659)_(722805_?)del

Gene: NXN (nucleoredoxin; minus strand). Cytogenetic location: 17p13.3.
Variant type: Deletion.
Identifiers: ClinVar variation 2426760 (VCV002426760.4).